The following is an entry in ClinVar:

NM_006766.5(KAT6A):c.1055C>T (p.Pro352Leu)

Gene: KAT6A (lysine acetyltransferase 6A; minus strand). Cytogenetic location: 8p11.21.
Variant type: single nucleotide variant.
Coding change: c.1055C>T on transcript NM_006766.5 (MANE Select); coding-DNA position 1055, C replaced by T.
Protein change: p.Pro352Leu; replaces proline 352 with leucine.
Molecular consequence: missense variant.
Genome position (GRCh38, 1-based): chr8:41,977,316, G>A on the plus strand (C>T on the coding strand, the complement: KAT6A is on the minus strand). VCF-style: chr8-41977316-G-A. GRCh37 (hg19) VCF-style: chr8-41834834-G-A.
Other names: c.1055C>T, p.Pro352Leu (NM_001305878.2); short protein forms P352L.
Identifiers: ClinVar variation 4806086 (VCV004806086.1).

ClinVar aggregate classification (germline): Uncertain significance (1 of 4 stars; one submission).

gnomAD v4.1: 2 of 1,612,116 alleles (0.00012%); highest among the groups gnomAD compares: Admixed American, 0.0017%; no homozygotes.

Submission:

Labcorp Genetics (formerly Invitae), Labcorp
Classification: Uncertain significance. Last evaluated: 2025-08-20. Review status: criteria provided, single submitter. Criteria: Invitae Variant Classification Sherloc (09022015). Collection method: clinical testing. Allele origin: germline.
Comment: This sequence change replaces proline, which is neutral and non-polar, with leucine, which is neutral and non-polar, at codon 352 of the KAT6A protein (p.Pro352Leu). This variant is not present in population databases (gnomAD no frequency). This variant has not been reported in the literature in individuals affected with KAT6A-related conditions. Invitae Evidence Modeling of protein sequence and biophysical properties (such as structural, functional, and spatial information, amino acid conservation, physicochemical variation, residue mobility, and thermodynamic stability) indicates that this missense variant is not expected to disrupt KAT6A protein function with a negative predictive value of 95%. In summary, the available evidence is currently insufficient to determine the role of this variant in disease. Therefore, it has been classified as a Variant of Uncertain Significance.